The following is an entry in ClinVar:

NM_001271.4(CHD2):c.1968_1969dup (p.Trp657fs)

Gene: CHD2 (chromodomain helicase DNA binding protein 2; plus strand). Cytogenetic location: 15q26.1.
Variant type: Microsatellite.
Coding change: c.1968_1969dup on transcript NM_001271.4 (MANE Select); coding-DNA positions 1968 to 1969, 2 bases duplicated (CT; older notation c.1968_1969dupCT).
Protein change: p.Trp657fs; shifts the reading frame from tryptophan 657.
Molecular consequence: frameshift variant.
Genome position (GRCh38, 1-based): chr15:92,956,617-92,956,618, CT duplicated; duplicating any 2 consecutive bases within chr15:92,956,615-92,956,618 gives the same sequence; the c. name uses the placement nearest the transcript's 3' end. VCF-style (leftmost placement, unchanged base first): chr15-92956614-G-GCT. GRCh37 (hg19) VCF-style: chr15-93499844-G-GCT.
Other names: short protein forms W657fs.
Identifiers: ClinVar variation 2747357 (VCV002747357.3), dbSNP rs2505488567, ClinGen allele CA2697549412.

ClinVar aggregate classification (germline): Pathogenic (1 of 4 stars; one submission).

Conditions:
Developmental and epileptic encephalopathy 94 (DEE94). Also called: Epileptic encephalopathy, childhood-onset; CHD2-Related Neurodevelopmental Disorders. Identifiers: Orphanet 1942, Orphanet 2382, MedGen C3809278, MONDO:0014150, OMIM 615369.

Submission:

Labcorp Genetics (formerly Invitae), Labcorp
Classification: Pathogenic for Developmental and epileptic encephalopathy 94. Last evaluated: 2023-07-27. Review status: criteria provided, single submitter. Criteria: Invitae Variant Classification Sherloc (09022015). Collection method: clinical testing. Allele origin: germline.
Comment: This sequence change creates a premature translational stop signal (p.Trp657Serfs*38) in the CHD2 gene. It is expected to result in an absent or disrupted protein product. Loss-of-function variants in CHD2 are known to be pathogenic (PMID: 23708187, 24207121). For these reasons, this variant has been classified as Pathogenic. This variant has not been reported in the literature in individuals affected with CHD2-related conditions. This variant is not present in population databases (gnomAD no frequency).

Literature cited by the submitters: PubMed 23708187; PubMed 24207121.